The following is an entry in ClinVar:

NM_001059.3(TACR3):c.1046C>T (p.Thr349Ile)

Genes: TACR3 (tachykinin receptor 3; minus strand), TACR3-AS1 (TACR3 antisense RNA 1; plus strand). Cytogenetic location: 4q24.
Variant type: single nucleotide variant.
Coding change: c.1046C>T on transcript NM_001059.3 (MANE Select); coding-DNA position 1046, C replaced by T.
Protein change: p.Thr349Ile; replaces threonine 349 with isoleucine.
Molecular consequence: missense variant.
Genome position (GRCh38, 1-based): chr4:103,591,526, G>A on the plus strand (C>T on the coding strand, the complement: TACR3 is on the minus strand). VCF-style: chr4-103591526-G-A. GRCh37 (hg19) VCF-style: chr4-104512683-G-A.
Other names: short protein forms T349I.
Identifiers: ClinVar variation 3452508 (VCV003452508.2).

ClinVar aggregate classification (germline): Uncertain significance. Review status: criteria provided, multiple submitters, no conflicts (2 of 4 stars). 2 submissions from 2 submitters: Uncertain significance (2). Last evaluated 2025-03-18.

Conditions:
Inborn genetic diseases. Identifiers: MedGen C0950123, MeSH D030342.

gnomAD v4.1: 7 of 1,613,726 alleles (0.00043%); highest among the groups gnomAD compares: Admixed American, 0.01%; no homozygotes.

Submissions (2):

Women's Health and Genetics/Laboratory Corporation of America, LabCorp
Classification: Uncertain significance. Last evaluated: 2025-03-18. Review status: criteria provided, single submitter. Criteria: LabCorp Variant Classification Summary - May 2015. Collection method: clinical testing. Allele origin: germline.
Comment: Variant summary: TACR3 c.1046C>T (p.Thr349Ile) results in a non-conservative amino acid change in the encoded protein sequence. Five of five in-silico tools predict a damaging effect of the variant on protein function. The variant allele was found at a frequency of 4.4e-06 in 1606736 control chromosomes. The available data on variant occurrences in the general population are insufficient to allow any conclusion about variant significance. To our knowledge, no occurrence of c.1046C>T in individuals affected with Hypogonadotropic Hypogonadism 11 With Or Without Anosmia and no experimental evidence demonstrating its impact on protein function have been reported. ClinVar contains an entry for this variant (Variation ID: 3452508). Based on the evidence outlined above, the variant was classified as uncertain significance.

Ambry Genetics
Classification: Uncertain significance for Inborn genetic diseases. Last evaluated: 2024-09-01. Review status: criteria provided, single submitter. Criteria: Ambry Variant Classification Scheme 2023. Collection method: clinical testing. Allele origin: germline.